The following is an entry in ClinVar:

ClinVar aggregate classification (germline): Uncertain significance. Review status: criteria provided, multiple submitters, no conflicts (2 of 4 stars). 2 submissions from 2 submitters: Uncertain significance (2). Last evaluated 2025-07-28.

Conditions:
Hereditary cancer-predisposing syndrome. Also called: Neoplastic Syndromes, Hereditary; Hereditary neoplastic syndrome; Tumor predisposition; Hereditary Cancer Syndrome. Identifiers: Orphanet 140162, MedGen C0027672, MeSH D009386, MONDO:0015356.

Submissions (2):

Ambry Genetics
Classification: Uncertain significance for Hereditary cancer-predisposing syndrome. Last evaluated: 2025-07-28. Review status: criteria provided, single submitter. Criteria: Ambry Variant Classification Scheme 2023. Collection method: clinical testing. Allele origin: germline.
Comment: The p.F167V variant (also known as c.499T>G), located in coding exon 3 of the RET gene, results from a T to G substitution at nucleotide position 499. The phenylalanine at codon 167 is replaced by valine, an amino acid with highly similar properties. This amino acid position is conserved. In addition, the in silico prediction for this alteration is inconclusive. Based on the available evidence, the clinical significance of this variant remains unclear.

GeneDx
Classification: Uncertain significance. Last evaluated: 2022-10-05. Review status: criteria provided, single submitter. Criteria: GeneDx Variant Classification Process June 2021. Collection method: clinical testing. Allele origin: germline. Affected: yes.
Comment: Not observed at significant frequency in large population cohorts (gnomAD); In silico analysis supports that this missense variant has a deleterious effect on protein structure/function; Has not been previously published as pathogenic or benign to our knowledge

NM_020975.6(RET):c.499T>G (p.Phe167Val)

Gene: RET (ret proto-oncogene; plus strand). Cytogenetic location: 10q11.21.
Variant type: single nucleotide variant.
Coding change: c.499T>G on transcript NM_020975.6 (MANE Select); coding-DNA position 499, T replaced by G.
Protein change: p.Phe167Val; replaces phenylalanine 167 with valine.
Molecular consequence: missense variant. On other transcripts: intron variant (15).
Genome position (GRCh38, 1-based): chr10:43,102,503, T>G. VCF-style: chr10-43102503-T-G. GRCh37 (hg19) VCF-style: chr10-43597951-T-G.
Other names: c.499T>G, p.Phe167Val (NM_000323.2, NM_001406743.1, NM_001406744.1 and 16 more transcripts); c.370T>G, p.Phe124Val (NM_001406761.1, NM_001406762.1, NM_001406764.1 and 4 more transcripts); c.337+1781T>G (NM_001406770.1, NM_001406766.1, NM_001406767.1 and 8 more transcripts); c.74-6528T>G (NM_001406784.1); c.74-9596T>G (NM_001406794.1, NM_001406792.1, NM_001406793.1); short protein forms F124V, F167V.
Identifiers: ClinVar variation 2497782 (VCV002497782.2), dbSNP rs2492160384, ClinGen allele CA376543266.
Genomic context (GRCh38, chr10:43,102,503, plus strand): 5'-TTCTCCTTCTTCAACACCTCCTTTCCAGCCTGCAGCTCCCTCAAGCCCCGGGAGCTCTGC[T>G]TCCCAGAGACAAGGCCCTCCTTCCGCATTCGGGAGAACCGACCCCCAGGCACCTTCCACC-3'
Protein context (NP_066124.1, residues 157-177): CSSLKPRELC[Phe167Val]PETRPSFRIR